The following is an entry in ClinVar:

ClinVar aggregate classification (germline): Uncertain significance (1 of 4 stars; one submission).

Allele frequency attached by ClinVar (database versions not stated): ExAC 0.00001; gnomAD exomes 0.00001.
gnomAD v4.1: 9 of 1,613,750 alleles (0.00056%); highest among the groups gnomAD compares: Non-Finnish European, 0.00076%; no homozygotes.

Submission:

Labcorp Genetics (formerly Invitae), Labcorp
Classification: Uncertain significance. Last evaluated: 2025-09-20. Review status: criteria provided, single submitter. Criteria: Invitae Variant Classification Sherloc (09022015). Collection method: clinical testing. Allele origin: germline.
Comment: This sequence change replaces aspartic acid, which is acidic and polar, with glycine, which is neutral and non-polar, at codon 196 of the POLR1C protein (p.Asp196Gly). This variant is present in population databases (rs775662333, gnomAD 0.0009%). This variant has not been reported in the literature in individuals affected with POLR1C-related conditions. ClinVar contains an entry for this variant (Variation ID: 1903292). Invitae Evidence Modeling of protein sequence and biophysical properties (such as structural, functional, and spatial information, amino acid conservation, physicochemical variation, residue mobility, and thermodynamic stability) indicates that this missense variant is not expected to disrupt POLR1C protein function with a negative predictive value of 80%. In summary, the available evidence is currently insufficient to determine the role of this variant in disease. Therefore, it has been classified as a Variant of Uncertain Significance.

NM_203290.4(POLR1C):c.587A>G (p.Asp196Gly)

Gene: POLR1C (RNA polymerase I and III subunit C; plus strand). Cytogenetic location: 6p21.1.
Variant type: single nucleotide variant.
Coding change: c.587A>G on transcript NM_203290.4 (MANE Select); coding-DNA position 587, A replaced by G.
Protein change: p.Asp196Gly; replaces aspartic acid 196 with glycine.
Molecular consequence: missense variant.
Genome position (GRCh38, 1-based): chr6:43,520,359, A>G. VCF-style: chr6-43520359-A-G. GRCh37 (hg19) VCF-style: chr6-43488097-A-G.
Other names: c.587A>G, p.Asp196Gly (NM_001318876.2, NM_001363658.2); short protein forms D196G.
Identifiers: ClinVar variation 1903292 (VCV001903292.5), dbSNP rs775662333, ClinGen allele CA3825499.
Genomic context (GRCh38, chr6:43,520,359, plus strand): 5'-TCCCCCTGGGGAACCAGGCTGATCTCTTTCCAGAGGGCACTATCCGACCAGTGCATGATG[A>G]TATCCTCATCGCTCAGCTGCGGCCTGGCCAAGAAATTGACCTGCTCATGCACTGTGTCAA-3'
Protein context (NP_976035.1, residues 186-206): PEGTIRPVHD[Asp196Gly]ILIAQLRPGQ